The following is an entry in ClinVar:

NM_153365.3(TAPT1):c.122C>T (p.Pro41Leu)

Genes: TAPT1 (transmembrane anterior posterior transformation 1; minus strand), LOC129992296 (ATAC-STARR-seq lymphoblastoid silent region 15304; plus strand). Cytogenetic location: 4p15.32.
Variant type: single nucleotide variant.
Coding change: c.122C>T on transcript NM_153365.3 (MANE Select); coding-DNA position 122, C replaced by T.
Protein change: p.Pro41Leu; replaces proline 41 with leucine.
Molecular consequence: missense variant.
Genome position (GRCh38, 1-based): chr4:16,226,336, G>A on the plus strand (C>T on the coding strand, the complement: TAPT1 is on the minus strand). VCF-style: chr4-16226336-G-A. GRCh37 (hg19) VCF-style: chr4-16227959-G-A.
Other names: short protein forms P41L.
Identifiers: ClinVar variation 2022623 (VCV002022623.4), dbSNP rs2532068067, ClinGen allele CA356490524.
Genomic context (GRCh38, chr4:16,226,336, plus strand): 5'-CTCTCCCGCCGCCGGTCGCTCTCGTAGAAGCCCAGCGTCTCTGTGAGCTGAGGCGCCGGC[G>A]GGGGCCCCTGTCCGCCGCTGCCGCCCGGCTGCTCCGCCTCGCCGCGGCCGTCCCGCTGCG-3'
Protein context (NP_699196.2, residues 31-51): QPGGSGGQGP[Pro41Leu]PAPQLTETLG

ClinVar aggregate classification (germline): Uncertain significance (1 of 4 stars; one submission).

Submission:

Labcorp Genetics (formerly Invitae), Labcorp
Classification: Uncertain significance. Last evaluated: 2022-06-04. Review status: criteria provided, single submitter. Criteria: Invitae Variant Classification Sherloc (09022015). Collection method: clinical testing. Allele origin: germline.
Comment: This variant is not present in population databases (gnomAD no frequency). In summary, the available evidence is currently insufficient to determine the role of this variant in disease. Therefore, it has been classified as a Variant of Uncertain Significance. Algorithms developed to predict the effect of missense changes on protein structure and function are either unavailable or do not agree on the potential impact of this missense change (SIFT: "Deleterious"; PolyPhen-2: "Not Available"; Align-GVGD: "Class C0"). This variant has not been reported in the literature in individuals affected with TAPT1-related conditions. This sequence change replaces proline, which is neutral and non-polar, with leucine, which is neutral and non-polar, at codon 41 of the TAPT1 protein (p.Pro41Leu).